The following is an entry in ClinVar:

ClinVar aggregate classification (germline): Uncertain significance (1 of 4 stars; one submission).

gnomAD v4.1: 1 of 1,614,090 alleles (0.000062%); highest among the groups gnomAD compares: Non-Finnish European, 0.000085%; no homozygotes.

Submission:

Ambry Genetics
Classification: Uncertain significance. Last evaluated: 2025-05-16. Review status: criteria provided, single submitter. Criteria: Ambry Variant Classification Scheme 2023. Collection method: clinical testing. Allele origin: germline.
Comment: The p.V220A variant (also known as c.659T>C), located in coding exon 6 of the KIF1B gene, results from a T to C substitution at nucleotide position 659. The valine at codon 220 is replaced by alanine, an amino acid with similar properties. This amino acid position is conserved. In addition, this alteration is predicted to be deleterious by in silico analysis. Based on the available evidence, the clinical significance of this variant remains unclear.

NM_001365951.3(KIF1B):c.659T>C (p.Val220Ala)

Gene: KIF1B (kinesin family member 1B; plus strand). Cytogenetic location: 1p36.22.
Variant type: single nucleotide variant.
Coding change: c.659T>C on transcript NM_001365951.3 (MANE Select); coding-DNA position 659, T replaced by C.
Protein change: p.Val220Ala; replaces valine 220 with alanine.
Molecular consequence: missense variant.
Genome position (GRCh38, 1-based): chr1:10,268,202, T>C. VCF-style: chr1-10268202-T-C. GRCh37 (hg19) VCF-style: chr1-10328260-T-C.
Other names: c.659T>C, p.Val220Ala (NM_001365952.1, NM_001365953.1, NM_015074.3 and 1 more transcripts); short protein forms V220A.
Identifiers: ClinVar variation 4043133 (VCV004043133.1).